The following is an entry in ClinVar:

NM_020987.5(ANK3):c.6079G>T (p.Asp2027Tyr)

Gene: ANK3 (ankyrin 3; minus strand). Cytogenetic location: 10q21.2.
Variant type: single nucleotide variant.
Coding change: c.6079G>T on transcript NM_020987.5 (MANE Select); coding-DNA position 6079, G replaced by T.
Protein change: p.Asp2027Tyr; replaces aspartic acid 2027 with tyrosine.
Molecular consequence: missense variant. On other transcripts: intron variant (4).
Genome position (GRCh38, 1-based): chr10:60,074,802, C>A on the plus strand (G>T on the coding strand, the complement: ANK3 is on the minus strand). VCF-style: chr10-60074802-C-A. GRCh37 (hg19) VCF-style: chr10-61834560-C-A.
Other names: c.4387+5735G>T (NM_001204403.2); c.4408+5735G>T (NM_001204404.2); c.4405+5735G>T (NM_001320874.2); c.1807+5735G>T (NM_001149.4); short protein forms D2027Y.
Identifiers: ClinVar variation 4083295 (VCV004083295.1).
Genomic context (GRCh38, chr10:60,074,802, plus strand): 5'-TCAGTGAACTACTCCCAATATCATTTGTTAGGTAATCAATAACTTTGGTCAAGTTATAAT[C>A]CTTTTCGGAGGCGGCTTTTGCTTTTACTTGCACTCTCTCTGGCAGAGATGGAGACTGGCT-3'
Protein context (NP_066267.2, residues 2017-2037): QVKAKAASEK[Asp2027Tyr]YNLTKVIDYL

ClinVar aggregate classification (germline): Uncertain significance (1 of 4 stars; one submission).

Submission:

GeneDx
Classification: Uncertain significance. Last evaluated: 2025-03-14. Review status: criteria provided, single submitter. Criteria: GeneDx Variant Classification Process June 2021. Collection method: clinical testing. Allele origin: germline. Affected: yes.
Comment: Not observed at significant frequency in large population cohorts (gnomAD); In silico analysis supports that this missense variant has a deleterious effect on protein structure/function; Has not been previously published as pathogenic or benign to our knowledge